The following is an entry in ClinVar:

ClinVar aggregate classification (germline): Uncertain significance (1 of 4 stars; one submission).

Conditions:
Early-infantile DEE. Also called: Ohtahara syndrome; Early infantile epileptic encephalopathy with suppression bursts; Early infantile epileptic encephalopathy. Identifiers: Orphanet 1934, MedGen C0393706, MONDO:0800491.

Allele frequency attached by ClinVar (database versions not stated): gnomAD exomes below 0.00001 and 0.00001; ExAC 0.00001.
gnomAD v4.1: 2 of 1,613,438 alleles (0.00012%); highest among the groups gnomAD compares: Admixed American, 0.0017%; no homozygotes.

Submission:

Labcorp Genetics (formerly Invitae), Labcorp
Classification: Uncertain significance for Early-infantile DEE. Last evaluated: 2020-07-29. Review status: criteria provided, single submitter. Criteria: Invitae Variant Classification Sherloc (09022015). Collection method: clinical testing. Allele origin: germline.
Comment: This variant is present in population databases (rs745677322, ExAC 0.009%). This sequence change affects an acceptor splice site in intron 6 of the ARHGEF15 gene. It is expected to disrupt RNA splicing and likely results in an absent or disrupted protein product. This variant has not been reported in the literature in individuals with ARHGEF15-related conditions. In summary, the available evidence is currently insufficient to determine the role of this variant in disease. Therefore, it has been classified as a Variant of Uncertain Significance. The current clinical and genetic evidence is not sufficient to establish whether loss-of-function variants in ARHGEF15 cause disease. Algorithms developed to predict the effect of sequence changes on RNA splicing suggest that this variant may disrupt the consensus splice site, but this prediction has not been confirmed by published transcriptional studies.

NM_173728.4(ARHGEF15):c.1261-2A>G

Gene: ARHGEF15 (Rho guanine nucleotide exchange factor 15; plus strand). Cytogenetic location: 17p13.1.
Variant type: single nucleotide variant.
Coding change: c.1261-2A>G on transcript NM_173728.4 (MANE Select); the canonical splice acceptor site of the intron before coding-DNA position 1261, A replaced by G.
Molecular consequence: splice acceptor variant.
Genome position (GRCh38, 1-based): chr17:8,315,412, A>G. VCF-style: chr17-8315412-A-G. GRCh37 (hg19) VCF-style: chr17-8218730-A-G.
Other names: c.1261-2A>G (NM_025014.2).
Identifiers: ClinVar variation 1055171 (VCV001055171.8), dbSNP rs745677322, ClinGen allele CA8375140.
Genomic context (GRCh38, chr17:8,315,412, plus strand): 5'-CCCAGGGTCCTAGCTTCCCACGGTGAACTGGGCTTCCCACGACTGCCTGCTTTTCTTTCT[A>G]GAGTCTTTTCGAGGTGGTGACGTCCGAGGCTTCCTACCTGCGCTCCCTGCGGCTGCTGAC-3'